The following is an entry in ClinVar:

ClinVar aggregate classification (germline): Uncertain significance (1 of 4 stars; one submission).

Submission:

Labcorp Genetics (formerly Invitae), Labcorp
Classification: Uncertain significance. Last evaluated: 2021-12-24. Review status: criteria provided, single submitter. Criteria: Invitae Variant Classification Sherloc (09022015). Collection method: clinical testing. Allele origin: germline.
Comment: This variant is a gross deletion of the genomic region encompassing exon(s) 14-15 of the SLC12A1 gene. This variant would be expected to be in-frame, preserving the integrity of the reading frame. This variant has not been reported in the literature in individuals affected with SLC12A1-related conditions. This variant disrupts a region of the SLC12A1 protein in which other variant(s) (p.Gly612Arg, p. Ala628Asp) have been observed in individuals with SLC12A1-related conditions (PMID: 18391953, 26963954). This suggests that this is a clinically significant region of the protein, and that variants that disrupt it are likely to be disease-causing. In summary, the available evidence is currently insufficient to determine the role of this variant in disease. Therefore, it has been classified as a Variant of Uncertain Significance.

Literature cited by the submitters: PubMed 18391953; PubMed 26963954.

NC_000015.9:g.(?_48541752)_(48543987_?)del

Gene: SLC12A1 (solute carrier family 12 member 1; plus strand). Cytogenetic location: 15q21.1.
Variant type: Deletion.
Identifiers: ClinVar variation 2422923 (VCV002422923.3).